The following is an entry in ClinVar:

ClinVar aggregate classification (germline): Uncertain significance. Review status: criteria provided, multiple submitters, no conflicts (2 of 4 stars). 3 submissions from 3 submitters: Uncertain significance (2). 1 of the submissions does not count toward it. Last evaluated 2024-08-07.

Conditions:
Retinitis pigmentosa 66 (RP66). Identifiers: Orphanet 791, MedGen C3715216, MONDO:0014093, OMIM 615233.

Allele frequency attached by ClinVar (database versions not stated): gnomAD exomes below 0.00001; ExAC 0.00001; gnomAD 0.00002; TOPMed 0.00002.
gnomAD v4.1: 23 of 1,613,422 alleles (0.0014%); highest among the groups gnomAD compares: Middle Eastern, 0.016%; no homozygotes.

Submissions (3):

Blueprint Genetics
Classification: Uncertain significance. Last evaluated: 2024-08-07. Review status: criteria provided, single submitter. Criteria: ACMG Guidelines, 2015. Collection method: clinical testing. Allele origin: germline.

Labcorp Genetics (formerly Invitae), Labcorp
Classification: Uncertain significance. Last evaluated: 2022-08-09. Review status: criteria provided, single submitter. Criteria: Invitae Variant Classification Sherloc (09022015). Collection method: clinical testing. Allele origin: germline.
Comment: This sequence change replaces glutamic acid, which is acidic and polar, with lysine, which is basic and polar, at codon 956 of the RBP3 protein (p.Glu956Lys). This variant is present in population databases (rs781847641, gnomAD 0.008%). This missense change has been observed in individuals with retinitis pigmentosa (PMID: 19074801). ClinVar contains an entry for this variant (Variation ID: 208322). Algorithms developed to predict the effect of missense changes on protein structure and function (SIFT, PolyPhen-2, Align-GVGD) all suggest that this variant is likely to be tolerated. In summary, the available evidence is currently insufficient to determine the role of this variant in disease. Therefore, it has been classified as a Variant of Uncertain Significance.

ClinVar Staff, National Center for Biotechnology Information (NCBI)
Classification: Uncertain significance for Retinitis pigmentosa 66. Last evaluated: 2013-06-27. Review status: no assertion criteria provided. Collection method: literature only. Allele origin: germline. Affected: yes. Not counted in ClinVar's aggregate classification.

Literature cited by the submitters: PubMed 19074801 (cited by Labcorp Genetics (formerly Invitae), Labcorp and ClinVar Staff, National Center for Biotechnology Information (NCBI)).

NM_002900.3(RBP3):c.2866G>A (p.Glu956Lys)

Gene: RBP3 (retinol binding protein 3; plus strand). Cytogenetic location: 10q11.22.
Variant type: single nucleotide variant.
Coding change: c.2866G>A on transcript NM_002900.3 (MANE Select); coding-DNA position 2866, G replaced by A.
Protein change: p.Glu956Lys; replaces glutamic acid 956 with lysine.
Molecular consequence: missense variant.
Genome position (GRCh38, 1-based): chr10:47,351,350, G>A. VCF-style: chr10-47351350-G-A. GRCh37 (hg19) VCF-style: chr10-48388012-C-T.
Other names: short protein forms E956K.
Identifiers: ClinVar variation 208322 (VCV000208322.8), dbSNP rs781847641, ClinGen allele CA350914.